The following is an entry in ClinVar:

ClinVar aggregate classification (germline): Uncertain significance (1 of 4 stars; one submission).

Submission:

GeneDx
Classification: Uncertain significance. Last evaluated: 2024-09-06. Review status: criteria provided, single submitter. Criteria: GeneDx Variant Classification Process June 2021. Collection method: clinical testing. Allele origin: germline. Affected: yes.
Comment: Not observed at significant frequency in large population cohorts (gnomAD); In silico analysis supports that this missense variant has a deleterious effect on protein structure/function; Has not been previously published as pathogenic or benign to our knowledge

NM_194454.3(KRIT1):c.1696T>A (p.Tyr566Asn)

Gene: KRIT1 (KRIT1 ankyrin repeat containing; minus strand). Cytogenetic location: 7q21.2.
Variant type: single nucleotide variant.
Coding change: c.1696T>A on transcript NM_194454.3 (MANE Select); coding-DNA position 1696, T replaced by A.
Protein change: p.Tyr566Asn; replaces tyrosine 566 with asparagine.
Molecular consequence: missense variant.
Genome position (GRCh38, 1-based): chr7:92,214,645, A>T on the plus strand (T>A on the coding strand, the complement: KRIT1 is on the minus strand). VCF-style: chr7-92214645-A-T. GRCh37 (hg19) VCF-style: chr7-91843959-A-T.
Other names: c.1552T>A, p.Tyr518Asn (NM_001013406.2, NM_001350669.1, NM_001350670.1); c.982T>A, p.Tyr328Asn (NM_001350671.1); c.1696T>A, p.Tyr566Asn (NM_001350672.1, NM_001350673.1, NM_001350674.1 and 26 more transcripts); short protein forms Y328N, Y518N, Y566N.
Identifiers: ClinVar variation 3767443 (VCV003767443.1).